The following is an entry in ClinVar:

NM_000110.4(DPYD):c.1156G>T (p.Glu386Ter)

Gene: DPYD (dihydropyrimidine dehydrogenase; minus strand). Cytogenetic location: 1p21.3.
Variant type: single nucleotide variant.
Coding change: c.1156G>T on transcript NM_000110.4 (MANE Select); coding-DNA position 1156, G replaced by T.
Protein change: p.Glu386Ter; replaces glutamic acid 386 with a stop codon.
Molecular consequence: nonsense.
Genome position (GRCh38, 1-based): chr1:97,573,943, C>A on the plus strand (G>T on the coding strand, the complement: DPYD is on the minus strand). VCF-style: chr1-97573943-C-A. GRCh37 (hg19) VCF-style: chr1-98039499-C-A.
Other names: short protein forms E386*.
Identifiers: ClinVar variation 1032887 (VCV001032887.7), dbSNP rs78060119, ClinGen allele CA27537610.

ClinVar aggregate classification (germline): drug response. Review status: reviewed by expert panel (3 of 4 stars). 5 submissions from 4 submitters: drug response (2). 3 of the submissions do not count toward it. Last evaluated 2021-03-24.

Conditions:
fluorouracil response - Other.
fluorouracil response - Toxicity.
Dihydropyrimidine dehydrogenase deficiency (DPYDD). Also called: DPD DEFICIENCY; DPYD DEFICIENCY; Hereditary Thymine-Uraciluria. Identifiers: Orphanet 1675, MedGen C1959620, MONDO:0010130, OMIM 274270.

Allele frequency attached by ClinVar (database versions not stated): gnomAD 0.00001; gnomAD exomes 0.00001; TOPMed 0.00001.
gnomAD v4.1: 8 of 1,613,432 alleles (0.0005%); highest among the groups gnomAD compares: East Asian, 0.0045%; no homozygotes.

Submissions (5):

ClinPGx
Classification: drug response for fluorouracil response - Other. Last evaluated: 2021-03-24. Review status: reviewed by expert panel. Criteria: Pharmacogenomics knowledge for personalized medicine. Collection method: curation. Allele origin: germline. Affected: yes.
Comment: PharmGKB Level of Evidence 1A: Level 1A clinical annotations describe variant-drug combinations that have variant-specific prescribing guidance available in a current clinical guideline annotation or an FDA-approved drug label annotation. Annotations of drug labels or clinical guidelines must give prescribing guidance for specific variants (e.g. CYP2C9*3, HLA-B*57:01) or provide mapping from defined allele functions to diplotypes and phenotypes to be used as supporting evidence for a level 1A clinical annotation. Level 1A clinical annotations must also be supported by at least one publication in addition to a clinical guideline or drug label with variant-specific prescribing guidance.

ClinPGx
Classification: drug response for fluorouracil response - Toxicity. Last evaluated: 2021-03-24. Review status: reviewed by expert panel. Criteria: Pharmacogenomics knowledge for personalized medicine. Collection method: curation. Allele origin: germline. Affected: yes.
Comment: PharmGKB Level of Evidence 1A: Level 1A clinical annotations describe variant-drug combinations that have variant-specific prescribing guidance available in a current clinical guideline annotation or an FDA-approved drug label annotation. Annotations of drug labels or clinical guidelines must give prescribing guidance for specific variants (e.g. CYP2C9*3, HLA-B*57:01) or provide mapping from defined allele functions to diplotypes and phenotypes to be used as supporting evidence for a level 1A clinical annotation. Level 1A clinical annotations must also be supported by at least one publication in addition to a clinical guideline or drug label with variant-specific prescribing guidance.

Drug is not necessarily used to treat response condition

Myriad Genetics, Inc.
Classification: Pathogenic for Dihydropyrimidine dehydrogenase deficiency. Last evaluated: 2026-02-05. Review status: criteria provided, single submitter. Criteria: Myriad Autosomal Dominant, Autosomal Recessive and X-Linked Classification Criteria (2023). Collection method: clinical testing. Allele origin: unknown. Not counted in ClinVar's aggregate classification.
Comment: NM_000110.3(DPYD):c.1156G>T(E386*) is a nonsense variant classified as pathogenic in the context of dihydropyrimidine dehydrogenase deficiency. E386* has been observed in a case with relevant disease (PMID: 9865912). Relevant functional assessments of this variant are not available in the literature. E386* has been observed in referenced population frequency databases. In summary, NM_000110.3(DPYD):c.1156G>T(E386*) is a nonsense variant in a gene where loss of function is a known mechanism of disease, is predicted to disrupt protein function, and has been observed more frequently in cases with the relevant disease than in healthy populations. Please note: this variant was assessed in the context of healthy population screening.

Baylor Genetics
Classification: Pathogenic for Dihydropyrimidine dehydrogenase deficiency. Last evaluated: 2024-02-07. Review status: criteria provided, single submitter. Criteria: ACMG Guidelines, 2015. Collection method: clinical testing. Allele origin: unknown. Not counted in ClinVar's aggregate classification.

Women's Health and Genetics/Laboratory Corporation of America, LabCorp
Classification: Pathogenic for Dihydropyrimidine dehydrogenase deficiency. Last evaluated: 2021-04-16. Review status: criteria provided, single submitter. Criteria: LabCorp Variant Classification Summary - May 2015. Collection method: clinical testing. Allele origin: germline. Not counted in ClinVar's aggregate classification.
Comment: Variant summary: DPYD c.1156G>T (p.Glu386X) results in a premature termination codon, predicted to cause a truncation of the encoded protein or absence of the protein due to nonsense mediated decay, which are commonly known mechanisms for disease. The variant allele was found at a frequency of 8e-06 in 250802 control chromosomes. c.1156G>T has been reported in the literature in individuals affected with Dihydropyrimidine Dehydrogenase Deficiency (Kouwaki_1998, Yoshida_2015). The variant was shown to have non-detectle levels of enzyme activity in an e. Coli expression system (Kouwaki_1998). One clinical diagnostic laboratory has submitted clinical-significance assessments for this variant to ClinVar after 2014 without evidence for independent evaluation. One laboratory classified the variant as pathogenic. Based on the evidence outlined above, the variant was classified as pathogenic.

Literature cited by the submitters: PubMed 24648345 (cited by ClinPGx); PubMed 9865912 (cited by 3 submitters); PubMed 26846104 (cited by ClinPGx); PubMed 26254383 (cited by Women's Health and Genetics/Laboratory Corporation of America, LabCorp).